The following is an entry in ClinVar:

NM_005879.3(TRAIP):c.1127A>G (p.Glu376Gly)

Gene: TRAIP (TRAF interacting protein; minus strand). Cytogenetic location: 3p21.31.
Variant type: single nucleotide variant.
Coding change: c.1127A>G on transcript NM_005879.3 (MANE Select); coding-DNA position 1127, A replaced by G.
Protein change: p.Glu376Gly; replaces glutamic acid 376 with glycine.
Molecular consequence: missense variant.
Genome position (GRCh38, 1-based): chr3:49,829,726, T>C on the plus strand (A>G on the coding strand, the complement: TRAIP is on the minus strand). VCF-style: chr3-49829726-T-C. GRCh37 (hg19) VCF-style: chr3-49867159-T-C.
Other names: short protein forms E376G.
Identifiers: ClinVar variation 4703377 (VCV004703377.1).
Genomic context (GRCh38, chr3:49,829,726, plus strand): 5'-TGGCCTAGGATGGCATTCCGGACAAAAATAGGGAAGGCACCAACCAGTTCCTCATCTGGC[T>C]CTCCTGCACAGCTCTGGCCACCCAGTGAGAGCTGGGACTCCTGCAGGGAAGACCCCAGGG-3'
Protein context (NP_005870.2, residues 366-386): LSLGGQSCAG[Glu376Gly]PDEELVGAFP

ClinVar aggregate classification (germline): Uncertain significance (1 of 4 stars; one submission).

Submission:

Labcorp Genetics (formerly Invitae), Labcorp
Classification: Uncertain significance. Last evaluated: 2025-06-30. Review status: criteria provided, single submitter. Criteria: Invitae Variant Classification Sherloc (09022015). Collection method: clinical testing. Allele origin: germline.
Comment: This sequence change replaces glutamic acid, which is acidic and polar, with glycine, which is neutral and non-polar, at codon 376 of the TRAIP protein (p.Glu376Gly). This variant is not present in population databases (gnomAD no frequency). This variant has not been reported in the literature in individuals affected with TRAIP-related conditions. An algorithm developed to predict the effect of missense changes on protein structure and function (PolyPhen-2) suggests that this variant is likely to be tolerated. In summary, the available evidence is currently insufficient to determine the role of this variant in disease. Therefore, it has been classified as a Variant of Uncertain Significance.